The following is an entry in ClinVar:

ClinVar aggregate classification (germline): Uncertain significance (1 of 4 stars; one submission).

Submission:

Ambry Genetics
Classification: Uncertain significance. Last evaluated: 2024-05-07. Review status: criteria provided, single submitter. Criteria: Ambry Variant Classification Scheme 2023. Collection method: clinical testing. Allele origin: germline.
Comment: The p.I1412L variant (also known as c.4234A>T), located in coding exon 4 of the ALPK2 gene, results from an A to T substitution at nucleotide position 4234. The isoleucine at codon 1412 is replaced by leucine, an amino acid with highly similar properties. This amino acid position is conserved. In addition, this alteration is predicted to be tolerated by in silico analysis. Based on the available evidence, the clinical significance of this variant remains unclear.

NM_052947.4(ALPK2):c.4234A>T (p.Ile1412Leu)

Genes: ALPK2 (alpha kinase 2; minus strand), LOC126862764 (BRD4-independent group 4 enhancer GRCh37_chr18:56202574-56203773; plus strand). Cytogenetic location: 18q21.31.
Variant type: single nucleotide variant.
Coding change: c.4234A>T on transcript NM_052947.4 (MANE Select); coding-DNA position 4234, A replaced by T.
Protein change: p.Ile1412Leu; replaces isoleucine 1412 with leucine.
Molecular consequence: missense variant.
Genome position (GRCh38, 1-based): chr18:58,535,953, T>A on the plus strand (A>T on the coding strand, the complement: ALPK2 is on the minus strand). VCF-style: chr18-58535953-T-A. GRCh37 (hg19) VCF-style: chr18-56203185-T-A.
Other names: short protein forms I1412L.
Identifiers: ClinVar variation 3289086 (VCV003289086.1).